The following is an entry in ClinVar:

NM_001360.3(DHCR7):c.988G>A (p.Val330Met)

Gene: DHCR7 (7-dehydrocholesterol reductase; minus strand). Cytogenetic location: 11q13.4.
Variant type: single nucleotide variant.
Coding change: c.988G>A on transcript NM_001360.3 (MANE Select); coding-DNA position 988, G replaced by A.
Protein change: p.Val330Met; replaces valine 330 with methionine.
Molecular consequence: missense variant.
Genome position (GRCh38, 1-based): chr11:71,435,815, C>T on the plus strand (G>A on the coding strand, the complement: DHCR7 is on the minus strand). VCF-style: chr11-71435815-C-T. GRCh37 (hg19) VCF-style: chr11-71146861-C-T.
Other names: p.Val330Met; c.988G>A, p.Val330Met (NM_001163817.2); short protein forms V330M.
Identifiers: ClinVar variation 420113 (VCV000420113.34), dbSNP rs139724817, ClinGen allele CA6162342.
Genomic context (GRCh38, chr11:71,435,815, plus strand): 5'-TGTAGTAGCCCACCAGGCCCAGCAGCAGGACGCCCACGGCGTGCGGGGTGGACAGCTGCA[C>T]GGGGTGGTACACCAAGTACAGACCCTGGGGGGCGAGGGGGAAGGGGTCAAGCGGTGCTTT-3'
Protein context (NP_001351.2, residues 320-340): LQGLYLVYHP[Val330Met]QLSTPHAVGV

ClinVar aggregate classification (germline): Conflicting classifications of pathogenicity. Review status: criteria provided, conflicting classifications (1 of 4 stars). 14 submissions from 14 submitters: Pathogenic (1); Likely pathogenic (1); Uncertain significance (9). 3 of the submissions do not count toward it. Last evaluated 2026-02-25.

Conditions:
DHCR7-related disorder. Also called: DHCR7-related condition.
Hepatoblastoma. Identifiers: Orphanet 449, MedGen C0206624, MONDO:0018666, HP:0002884.
Smith-Lemli-Opitz syndrome (SLOS). Also called: 7-Dehydrocholesterol reductase deficiency; POLYDACTYLY, SEX REVERSAL, RENAL HYPOPLASIA, AND UNILOBAR LUNG; LETHAL ACRODYSGENITAL SYNDROME; RSH SYNDROME; RUTLEDGE LETHAL MULTIPLE CONGENITAL ANOMALY SYNDROME. Identifiers: Orphanet 818, MedGen C0175694, MONDO:0010035, OMIM 270400.

Allele frequency attached by ClinVar (database versions not stated): 1000 Genomes Project 0.00020; gnomAD 0.00029; ESP Exome Variant Server 0.00039; TOPMed 0.00043; 1000 Genomes Project 30x 0.00047.
gnomAD v4.1: 659 of 1,603,764 alleles (0.041%); highest among the groups gnomAD compares: Middle Eastern, 0.25%; no homozygotes.

Submissions (14):

Women's Health and Genetics/Laboratory Corporation of America, LabCorp
Classification: Likely pathogenic for Smith-Lemli-Opitz syndrome. Last evaluated: 2026-02-25. Review status: criteria provided, single submitter. Criteria: LabCorp Variant Classification Summary - May 2015. Collection method: clinical testing. Allele origin: germline.
Comment: Variant summary: DHCR7 c.988G>A (p.Val330Met) results in a conservative amino acid change in the encoded protein sequence. Algorithms developed to predict the effect of missense changes on protein structure and function are either unavailable or do not agree on the potential impact of this missense change. The variant allele was found at a frequency of 0.00036 in 239088 control chromosomes. This frequency is not significantly higher than estimated for disease-causing variants in DHCR7, allowing no conclusion about variant significance. c.988G>A has been observed in individuals affected with Smith-Lemli-Opitz Syndrome presenting as a mild phenotype, or with mild clinical features of this disorder (e.g. Patrono_2002, Correia-Costa_2022, BonnotRuget_2024, Hackl_2025) including individuals affected with autism (e.g. Saskin_2017, Cross_2015). The variant has been detected as a compound heterozygous genotype (e.g., Patrono_2002, BonnotRuget_2024) or as homozygous genotype in patients from consanguineous families in which clinical features not associated with Smith-Lemli-Opitz Syndrome were also present (e.g. Correia-Costa_2022, Hackl_2025). These data indicate that the variant may be associated with disease, although confounding factors such as consanguinity and complex phenotypes in some cases do not allow unequivocal conclusions about association of the variant with Smith-Lemli-Opitz Syndrome. To our knowledge, no experimental evidence demonstrating an impact on protein function has been reported. The following publications have been ascertained in the context of this evaluation (PMID: 27401223, 38581293, 15670717, 24813812, 40725494, 12270273, 29300326, 16392899, 28250423, 23042628, 16207203, 36553645). ClinVar contains an entry for this variant (Variation ID: 420113). Based on the evidence outlined above, the variant was classified as likely pathogenic.

Labcorp Genetics (formerly Invitae), Labcorp
Classification: Pathogenic for Smith-Lemli-Opitz syndrome. Last evaluated: 2026-02-01. Review status: criteria provided, single submitter. Criteria: Invitae Variant Classification Sherloc (09022015). Collection method: clinical testing. Allele origin: germline.
Comment: This sequence change replaces valine, which is neutral and non-polar, with methionine, which is neutral and non-polar, at codon 330 of the DHCR7 protein (p.Val330Met). This variant is present in population databases (rs139724817, gnomAD 0.06%). This missense change has been observed in individual(s) with clinical features of Smith–Lemli–Opitz syndrome (PMID: 12270273, 40725494). It has also been observed to segregate with disease in related individuals. ClinVar contains an entry for this variant (Variation ID: 420113). Invitae Evidence Modeling of protein sequence and biophysical properties (such as structural, functional, and spatial information, amino acid conservation, physicochemical variation, residue mobility, and thermodynamic stability) indicates that this missense variant is expected to disrupt DHCR7 protein function with a positive predictive value of 95%. For these reasons, this variant has been classified as Pathogenic.

Mayo Clinic Laboratories, Mayo Clinic
Classification: Uncertain significance. Last evaluated: 2025-02-03. Review status: criteria provided, single submitter. Criteria: ACMG Guidelines, 2015. Collection method: clinical testing. Allele origin: germline. Observed: 2 variant alleles.
Comment: BS2, PP3

Blueprint Genetics
Classification: Uncertain significance. Last evaluated: 2024-10-24. Review status: criteria provided, single submitter. Criteria: ACMG Guidelines, 2015. Collection method: clinical testing. Allele origin: germline.

Genomic Medicine Center of Excellence, King Faisal Specialist Hospital and Research Centre
Classification: Uncertain significance for Smith-Lemli-Opitz syndrome. Last evaluated: 2024-03-29. Review status: criteria provided, single submitter. Criteria: ACMG Guidelines, 2015. Collection method: clinical testing. Allele origin: germline.

Revvity Omics, Revvity
Classification: Uncertain significance for Smith-Lemli-Opitz syndrome. Last evaluated: 2022-06-23. Review status: criteria provided, single submitter. Criteria: ACMG Guidelines, 2015. Collection method: clinical testing. Allele origin: germline.

GeneDx
Classification: Uncertain significance. Last evaluated: 2022-06-07. Review status: criteria provided, single submitter. Criteria: GeneDx Variant Classification Process June 2021. Collection method: clinical testing. Allele origin: germline. Affected: yes.
Comment: Reported previously in an individual with psychomotor regression and multiple congenital abnormalities suggestive of Smith-Lemli-Opitz syndrome who had a second DHCR7 variant identified on the opposite allele; however, this patient's serum 7-DHC concentration was 100 fold lower than typical mean serum levels for affected individuals, and significantly lower than in the other patients reported in the study (Patrono et al., 2002); In silico analysis supports that this missense variant does not alter protein structure/function; This variant is associated with the following publications: (PMID: 23042628, 29300326, 24813812, 27401223, 15670717, 28250423, 12270273, 34426522)

Genome-Nilou Lab
Classification: Uncertain significance for Smith-Lemli-Opitz syndrome. Last evaluated: 2021-07-14. Review status: criteria provided, single submitter. Criteria: ACMG Guidelines, 2015. Collection method: clinical testing. Allele origin: germline. Affected: no.

Department of Pathology and Laboratory Medicine, Sinai Health System
Classification: Uncertain significance for Smith-Lemli-Opitz syndrome. Last evaluated: 2020-04-30. Review status: criteria provided, single submitter. Criteria: ACMG Guidelines, 2015. Collection method: research. Allele origin: germline.

Fulgent Genetics
Classification: Uncertain significance for Smith-Lemli-Opitz syndrome. Last evaluated: 2018-10-31. Review status: criteria provided, single submitter. Criteria: ACMG Guidelines, 2015. Collection method: clinical testing. Allele origin: unknown.

Eurofins Ntd Llc (ga)
Classification: Uncertain significance. Last evaluated: 2017-12-19. Review status: criteria provided, single submitter. Criteria: EGL Classification Definitions 2015. Collection method: clinical testing. Allele origin: germline. Observed: 3 variant alleles, 3 heterozygotes.

PreventionGenetics, part of Exact Sciences
Classification: Uncertain significance for DHCR7-related condition. Last evaluated: 2024-04-16. Review status: no assertion criteria provided. Collection method: clinical testing. Allele origin: germline. Not counted in ClinVar's aggregate classification.
Comment: The DHCR7 c.988G>A variant is predicted to result in the amino acid substitution p.Val330Met. This variant has been reported in a patient with suspected Smith-Lemli-Opitz syndrome (Patrono et al. 2002. PubMed ID: 12270273), in two patients in a large autism cohort (Table S2, Saskin et al. 2017. PubMed ID: 28250423), and in two patients with hepatoblastoma (Aguiar et al. 2022. PubMed ID: 35495172). In all cases pathogenicity was not clearly established. This variant is reported in 0.066% of alleles in individuals of Latino descent in gnomAD. At this time, the clinical significance of this variant is uncertain due to the absence of conclusive functional and genetic evidence.

Natera, Inc.
Classification: Uncertain significance for Smith-Lemli-Opitz syndrome. Last evaluated: 2018-05-11. Review status: no assertion criteria provided. Collection method: clinical testing. Allele origin: germline. Not counted in ClinVar's aggregate classification.

Molecular Oncology -  Human Genetics Lab, University of Sao Paulo
Classification: Uncertain significance for Hepatoblastoma. Review status: no assertion criteria provided. Collection method: research. Allele origin: germline. Affected: yes. Not counted in ClinVar's aggregate classification.

Literature cited by the submitters: PubMed 23042628 (cited by Women's Health and Genetics/Laboratory Corporation of America, LabCorp and Mayo Clinic Laboratories, Mayo Clinic); PubMed 27401223 (cited by Women's Health and Genetics/Laboratory Corporation of America, LabCorp and Mayo Clinic Laboratories, Mayo Clinic); PubMed 28250423 (cited by Women's Health and Genetics/Laboratory Corporation of America, LabCorp); PubMed 15670717 (cited by Women's Health and Genetics/Laboratory Corporation of America, LabCorp); PubMed 24813812 (cited by Women's Health and Genetics/Laboratory Corporation of America, LabCorp); PubMed 12270273 (cited by 3 submitters); PubMed 29300326 (cited by Women's Health and Genetics/Laboratory Corporation of America, LabCorp); PubMed 16392899 (cited by Women's Health and Genetics/Laboratory Corporation of America, LabCorp); PubMed 16207203 (cited by Women's Health and Genetics/Laboratory Corporation of America, LabCorp); PubMed 38581293 (cited by Women's Health and Genetics/Laboratory Corporation of America, LabCorp); PubMed 36553645 (cited by Women's Health and Genetics/Laboratory Corporation of America, LabCorp and Mayo Clinic Laboratories, Mayo Clinic); PubMed 40725494 (cited by Women's Health and Genetics/Laboratory Corporation of America, LabCorp and Labcorp Genetics (formerly Invitae), Labcorp); PubMed 35460704 (cited by Mayo Clinic Laboratories, Mayo Clinic).